The following is an entry in ClinVar:

ClinVar aggregate classification (germline): Likely benign (1 of 4 stars; one submission).

Allele frequency attached by ClinVar (database versions not stated): TOPMed 0.00002; gnomAD 0.00019; ExAC 0.00088; 1000 Genomes Project 0.00140; 1000 Genomes Project 30x 0.00156.
gnomAD v4.1: 458 of 1,613,758 alleles (0.028%); highest among the groups gnomAD compares: South Asian, 0.47%; 9 homozygotes.

Submission:

CeGaT Center for Human Genetics Tuebingen
Classification: Likely benign. Last evaluated: 2022-07-01. Review status: criteria provided, single submitter. Criteria: CeGaT Center For Human Genetics Tuebingen Variant Classification Criteria Version 2. Collection method: clinical testing. Allele origin: germline. Affected: yes. Observed: 1 variant allele.
Comment: PTPRU: BP4, BP7

NM_133178.4(PTPRU):c.2532G>A (p.Pro844=)

Gene: PTPRU (protein tyrosine phosphatase receptor type U; plus strand). Cytogenetic location: 1p35.3.
Variant type: single nucleotide variant.
Coding change: c.2532G>A on transcript NM_133178.4 (MANE Select); coding-DNA position 2532, G replaced by A.
Protein change: p.Pro844=; no amino-acid change (proline 844 retained).
Molecular consequence: synonymous variant.
Genome position (GRCh38, 1-based): chr1:29,303,910, G>A. VCF-style: chr1-29303910-G-A. GRCh37 (hg19) VCF-style: chr1-29630422-G-A.
Other names: c.2532G>A, p.Pro844= (NM_001195001.2, NM_133177.4); c.2562G>A, p.Pro854= (NM_005704.5).
Identifiers: ClinVar variation 2638589 (VCV002638589.24), dbSNP rs532193157, ClinGen allele CA726707.